The following is an entry in ClinVar:

ClinVar aggregate classification (germline): Uncertain significance (1 of 4 stars; one submission).

Conditions:
Charcot-Marie-Tooth disease axonal type 2S. Also called: CHARCOT-MARIE-TOOTH NEUROPATHY, TYPE 2S; CHARCOT-MARIE-TOOTH DISEASE, AXONAL, AUTOSOMAL RECESSIVE, TYPE 2S. Identifiers: Orphanet 443073, MedGen C4015349, MONDO:0014511, OMIM 616155.
Autosomal recessive distal spinal muscular atrophy 1. Also called: HMN VI; NEURONOPATHY, SEVERE INFANTILE AXONAL, WITH RESPIRATORY FAILURE; SEVERE INFANTILE AXONAL NEUROPATHY WITH RESPIRATORY FAILURE; SPINAL MUSCULAR ATROPHY, DIAPHRAGMATIC; Spinal muscular atrophy with respiratory distress 1; NEURONOPATHY, DISTAL HEREDITARY MOTOR, HARDING TYPE VI. Identifiers: Orphanet 98920, MedGen C1858517, MONDO:0011436, OMIM 604320.

Allele frequency attached by ClinVar (database versions not stated): gnomAD exomes below 0.00001 and 0.00001; gnomAD 0.00001.
gnomAD v4.1: 6 of 1,613,194 alleles (0.00037%); highest among the groups gnomAD compares: South Asian, 0.0066%; no homozygotes.

Submission:

Labcorp Genetics (formerly Invitae), Labcorp
Classification: Uncertain significance for Autosomal recessive distal spinal muscular atrophy 1; Charcot-Marie-Tooth disease axonal type 2S. Last evaluated: 2021-09-24. Review status: criteria provided, single submitter. Criteria: Invitae Variant Classification Sherloc (09022015). Collection method: clinical testing. Allele origin: germline.
Comment: This sequence change replaces arginine with lysine at codon 971 of the IGHMBP2 protein (p.Arg971Lys). The arginine residue is moderately conserved and there is a small physicochemical difference between arginine and lysine. This variant is not present in population databases (ExAC no frequency). This variant has not been reported in the literature in individuals with IGHMBP2-related conditions. ClinVar contains an entry for this variant (Variation ID: 534917). Algorithms developed to predict the effect of missense changes on protein structure and function output the following: SIFT: "Tolerated"; PolyPhen-2: "Benign"; Align-GVGD: "Class C0". The lysine amino acid residue is found in multiple mammalian species, suggesting that this missense change does not adversely affect protein function. These predictions have not been confirmed by published functional studies and their clinical significance is uncertain. In summary, the available evidence is currently insufficient to determine the role of this variant in disease. Therefore, it has been classified as a Variant of Uncertain Significance.

NM_002180.3(IGHMBP2):c.2912G>A (p.Arg971Lys)

Gene: IGHMBP2 (immunoglobulin mu DNA binding protein 2; plus strand). Cytogenetic location: 11q13.3.
Variant type: single nucleotide variant.
Coding change: c.2912G>A on transcript NM_002180.3 (MANE Select); coding-DNA position 2912, G replaced by A.
Protein change: p.Arg971Lys; replaces arginine 971 with lysine.
Molecular consequence: missense variant.
Genome position (GRCh38, 1-based): chr11:68,939,661, G>A. VCF-style: chr11-68939661-G-A. GRCh37 (hg19) VCF-style: chr11-68707129-G-A.
Other names: short protein forms R971K.
Identifiers: ClinVar variation 534917 (VCV000534917.7), dbSNP rs1471799706, ClinGen allele CA381655058.